The following is an entry in ClinVar:

ClinVar aggregate classification (germline): Likely benign. Review status: criteria provided, single submitter (1 of 4 stars). 2 submissions from 2 submitters: Likely benign (1). 1 of the submissions does not count toward it. Last evaluated 2023-08-16.

Conditions:
POR-related disorder. Also called: POR-related condition.
Congenital adrenal hyperplasia due to cytochrome P450 oxidoreductase deficiency. Also called: DISORDERED STEROIDOGENESIS DUE TO POR DEFICIENCY. Identifiers: Orphanet 95699, MedGen C1860042, MONDO:0013310, OMIM 613571.

gnomAD v4.1: 2 of 1,612,390 alleles (0.00012%); highest among the groups gnomAD compares: East Asian, 0.0045%; no homozygotes.

Submissions (2):

Labcorp Genetics (formerly Invitae), Labcorp
Classification: Likely benign for Congenital adrenal hyperplasia due to cytochrome P450 oxidoreductase deficiency. Last evaluated: 2023-08-16. Review status: criteria provided, single submitter. Criteria: Invitae Variant Classification Sherloc (09022015). Collection method: clinical testing. Allele origin: germline.

PreventionGenetics, part of Exact Sciences
Classification: Likely benign for POR-related condition. Last evaluated: 2021-04-06. Review status: no assertion criteria provided. Collection method: clinical testing. Allele origin: germline. Not counted in ClinVar's aggregate classification.
Comment: This variant is classified as likely benign based on ACMG/AMP sequence variant interpretation guidelines (Richards et al. 2015 PMID: 25741868, with internal and published modifications).

NM_001395413.1(POR):c.793C>A (p.Arg265=)

Gene: POR (cytochrome p450 oxidoreductase; plus strand). Cytogenetic location: 7q11.23.
Variant type: single nucleotide variant.
Coding change: c.793C>A on transcript NM_001395413.1 (MANE Select); coding-DNA position 793, C replaced by A.
Protein change: p.Arg265=; no amino-acid change (arginine 265 retained).
Molecular consequence: synonymous variant.
Genome position (GRCh38, 1-based): chr7:75,982,294, C>A. VCF-style: chr7-75982294-C-A. GRCh37 (hg19) VCF-style: chr7-75611612-C-A.
Other names: c.802C>A, p.Arg268= (NM_000941.2, NM_000941.3); c.793C>A, p.Arg265= (NM_001367562.3, NM_001382657.2, NM_001382658.3 and 2 more transcripts); c.847C>A, p.Arg283= (NM_001382655.3).
Identifiers: ClinVar variation 2830860 (VCV002830860.5), dbSNP rs200471958, ClinGen allele CA456073074.